The following is an entry in ClinVar:

NM_000254.3(MTR):c.2020C>A (p.Arg674Ser)

Gene: MTR (5-methyltetrahydrofolate-homocysteine methyltransferase; plus strand). Cytogenetic location: 1q43.
Variant type: single nucleotide variant.
Coding change: c.2020C>A on transcript NM_000254.3 (MANE Select); coding-DNA position 2020, C replaced by A.
Protein change: p.Arg674Ser; replaces arginine 674 with serine.
Molecular consequence: missense variant.
Genome position (GRCh38, 1-based): chr1:236,859,899, C>A. VCF-style: chr1-236859899-C-A. GRCh37 (hg19) VCF-style: chr1-237023199-C-A.
Other names: c.2020C>A, p.Arg674Ser (NM_001291939.1); c.799C>A, p.Arg267Ser (NM_001291940.2); short protein forms R267S, R674S.
Identifiers: ClinVar variation 1373885 (VCV001373885.9), dbSNP rs150058137, ClinGen allele CA345376439.

ClinVar aggregate classification (germline): Conflicting classifications of pathogenicity. Review status: criteria provided, conflicting classifications (1 of 4 stars). 2 submissions from 2 submitters: Likely pathogenic (1); Uncertain significance (1). Last evaluated 2025-10-29.

Conditions:
Methylcobalamin deficiency type cblG (HMAG). Also called: HOMOCYSTINURIA-MEGALOBLASTIC ANEMIA, cblG TYPE; HOMOCYSTINURIA-MEGALOBLASTIC ANEMIA, cblG COMPLEMENTATION TYPE; Functional methionine synthase deficiency type cblG; HOMOCYSTINURIA-MEGALOBLASTIC ANEMIA DUE TO DEFECT IN COBALAMIN METABOLISM, cblG COMPLEMENTATION TYPE. Identifiers: Orphanet 2170, Orphanet 622, MedGen C1855128, MONDO:0009609, OMIM 250940.

gnomAD v4.1: 10 of 1,613,926 alleles (0.00062%); highest among the groups gnomAD compares: East Asian, 0.0022%; no homozygotes.

Submissions (2):

Women's Health and Genetics/Laboratory Corporation of America, LabCorp
Classification: Likely pathogenic for Methylcobalamin deficiency type cblG. Last evaluated: 2025-10-29. Review status: criteria provided, single submitter. Criteria: LabCorp Variant Classification Summary - May 2015. Collection method: clinical testing. Allele origin: germline.
Comment: Variant summary: MTR c.2020C>A (p.Arg674Ser) results in a non-conservative amino acid change in the encoded protein sequence. Algorithms developed to predict the effect of missense changes on protein structure and function all suggest that this variant is likely to be disruptive. The variant was absent in 251282 control chromosomes. c.2020C>A has been observed in an individual affected with Methylcobalamin deficiency type cblG (Huemer_2015). These data indicate that the variant may be associated with disease. To our knowledge, no experimental evidence demonstrating an impact on protein function has been reported. However, other variants affecting the same amino acid have been classified as likely pathogenic/pathogenic (e.g. p.Arg674His, p.Arg674Cys), supporting the critical relevance of codon 674 to MTR function. The following publication has been ascertained in the context of this evaluation (PMID: 25526710). ClinVar contains an entry for this variant (Variation ID: 1373885). Based on the evidence outlined above, the variant was classified as likely pathogenic.

Labcorp Genetics (formerly Invitae), Labcorp
Classification: Uncertain significance for Methylcobalamin deficiency type cblG. Last evaluated: 2023-08-04. Review status: criteria provided, single submitter. Criteria: Invitae Variant Classification Sherloc (09022015). Collection method: clinical testing. Allele origin: germline.
Comment: In summary, the available evidence is currently insufficient to determine the role of this variant in disease. Therefore, it has been classified as a Variant of Uncertain Significance. Advanced modeling of protein sequence and biophysical properties (such as structural, functional, and spatial information, amino acid conservation, physicochemical variation, residue mobility, and thermodynamic stability) performed at Invitae indicates that this missense variant is expected to disrupt MTR protein function. ClinVar contains an entry for this variant (Variation ID: 1373885). This missense change has been observed in individual(s) with cblG deficiency (PMID: 25526710). This variant is not present in population databases (gnomAD no frequency). This sequence change replaces arginine, which is basic and polar, with serine, which is neutral and polar, at codon 674 of the MTR protein (p.Arg674Ser).

Literature cited by the submitters: PubMed 25526710 (cited by Women's Health and Genetics/Laboratory Corporation of America, LabCorp and Labcorp Genetics (formerly Invitae), Labcorp).